The following is an entry in ClinVar:

NM_021076.4(NEFH):c.2620G>A (p.Val874Met)

Gene: NEFH (neurofilament heavy chain; plus strand). Cytogenetic location: 22q12.2.
Variant type: single nucleotide variant.
Coding change: c.2620G>A on transcript NM_021076.4 (MANE Select); coding-DNA position 2620, G replaced by A.
Protein change: p.Val874Met; replaces valine 874 with methionine.
Molecular consequence: missense variant.
Genome position (GRCh38, 1-based): chr22:29,490,260, G>A. VCF-style: chr22-29490260-G-A. GRCh37 (hg19) VCF-style: chr22-29886249-G-A.
Other names: short protein forms V874M.
Identifiers: ClinVar variation 1931212 (VCV001931212.5), dbSNP rs561524600, ClinGen allele CA10174463.

ClinVar aggregate classification (germline): Uncertain significance (1 of 4 stars; one submission).

Allele frequency attached by ClinVar (database versions not stated): gnomAD 0.00001; gnomAD exomes 0.00002; ExAC 0.00003; 1000 Genomes Project 30x 0.00031; 1000 Genomes Project 0.00040.
gnomAD v4.1: 26 of 1,612,218 alleles (0.0016%); highest among the groups gnomAD compares: East Asian, 0.0022%; no homozygotes.

Submission:

Labcorp Genetics (formerly Invitae), Labcorp
Classification: Uncertain significance. Last evaluated: 2024-02-20. Review status: criteria provided, single submitter. Criteria: Invitae Variant Classification Sherloc (09022015). Collection method: clinical testing. Allele origin: germline.
Comment: This sequence change replaces valine, which is neutral and non-polar, with methionine, which is neutral and non-polar, at codon 874 of the NEFH protein (p.Val874Met). This variant is present in population databases (rs561524600, gnomAD 0.01%). This variant has not been reported in the literature in individuals affected with NEFH-related conditions. ClinVar contains an entry for this variant (Variation ID: 1931212). Advanced modeling of protein sequence and biophysical properties (such as structural, functional, and spatial information, amino acid conservation, physicochemical variation, residue mobility, and thermodynamic stability) performed at Invitae indicates that this missense variant is not expected to disrupt NEFH protein function with a negative predictive value of 95%. In summary, the available evidence is currently insufficient to determine the role of this variant in disease. Therefore, it has been classified as a Variant of Uncertain Significance.